The following is an entry in ClinVar:

NM_000059.4(BRCA2):c.9074_9077del (p.Ile3025fs)

Gene: BRCA2 (BRCA2 DNA repair associated; plus strand). Cytogenetic location: 13q13.1.
Variant type: Deletion.
Coding change: c.9074_9077del on transcript NM_000059.4 (MANE Select); coding-DNA positions 9074 to 9077, 4 bases deleted (TACA; older notation c.9074_9077delTACA).
Protein change: p.Ile3025fs; shifts the reading frame from isoleucine 3025.
Molecular consequence: frameshift variant.
Genome position (GRCh38, 1-based): chr13:32,379,870-32,379,873, TACA deleted; deleting any 4 consecutive bases within chr13:32,379,867-32,379,873 gives the same sequence; the c. name uses the placement nearest the transcript's 3' end. VCF-style (leftmost placement, unchanged base first): chr13-32379866-AACAT-A. GRCh37 (hg19) VCF-style: chr13-32954003-AACAT-A.
Other names: short protein forms I3025fs.
Identifiers: ClinVar variation 1406801 (VCV001406801.8), dbSNP rs2137623320, ClinGen allele CA2573149236.
Genomic context (GRCh38, chr13:32,379,866, plus strand): 5'-AAGAGATACAGAATTTATCATCTTGCAACTTCAAAATCTAAAAGTAAATCTGAAAGAGCT[AACAT>A]ACAGTTAGCAGCGACAAAAAAAACTCAGTATCAACAACTACCGGTACAAACCTTTCATTG-3'

ClinVar aggregate classification (germline): Pathogenic. Review status: criteria provided, multiple submitters, no conflicts (2 of 4 stars). 2 submissions from 2 submitters: Pathogenic (2). Last evaluated 2022-01-11.

Conditions:
Hereditary cancer-predisposing syndrome. Also called: Hereditary neoplastic syndrome; Hereditary Cancer Syndrome; Neoplastic Syndromes, Hereditary; Tumor predisposition. Identifiers: Orphanet 140162, MedGen C0027672, MeSH D009386, MONDO:0015356.
Hereditary breast ovarian cancer syndrome. Also called: Hereditary breast and ovarian cancer syndrome; BRCA1- and BRCA2-Associated Hereditary Breast and Ovarian Cancer; Breast and ovarian cancer; Hereditary breast and/or ovarian cancer syndrome; Hereditary breast and ovarian cancer syndrome (HBOC); Hereditary breast and ovarian cancer. Identifiers: Orphanet 145, MedGen C0677776, MeSH D061325, MONDO:0003582. Disease mechanism: loss of function.

Submissions (2):

Ambry Genetics
Classification: Pathogenic for Hereditary cancer-predisposing syndrome. Last evaluated: 2022-01-11. Review status: criteria provided, single submitter. Criteria: Ambry Variant Classification Scheme 2023. Collection method: clinical testing. Allele origin: germline.
Comment: The c.9074_9077delTACA variant, located in coding exon 22 of the BRCA2 gene, results from a deletion of 4 nucleotides at nucleotide positions 9074 to 9077, causing a translational frameshift with a predicted alternate stop codon (p.I3025Sfs*2). This variant is considered to be rare based on population cohorts in the Genome Aggregation Database (gnomAD). This alteration is expected to result in loss of function by premature protein truncation or nonsense-mediated mRNA decay. As such, this alteration is interpreted as a disease-causing mutation.

Labcorp Genetics (formerly Invitae), Labcorp
Classification: Pathogenic for Hereditary breast ovarian cancer syndrome. Last evaluated: 2021-09-20. Review status: criteria provided, single submitter. Criteria: Invitae Variant Classification Sherloc (09022015). Collection method: clinical testing. Allele origin: germline.
Comment: For these reasons, this variant has been classified as Pathogenic. This variant has not been reported in the literature in individuals affected with BRCA2-related conditions. This variant is not present in population databases (ExAC no frequency). This sequence change creates a premature translational stop signal (p.Ile3025Serfs*2) in the BRCA2 gene. It is expected to result in an absent or disrupted protein product. Loss-of-function variants in BRCA2 are known to be pathogenic (PMID: 20104584).

Literature cited by the submitters: PubMed 20104584 (cited by Labcorp Genetics (formerly Invitae), Labcorp).